The following is an entry in ClinVar:

ClinVar aggregate classification (germline): Conflicting classifications of pathogenicity. Review status: criteria provided, conflicting classifications (1 of 4 stars). 2 submissions from 2 submitters: Uncertain significance (1); Likely benign (1). Last evaluated 2022-04-01.

Conditions:
RYK-related disorder. Also called: RYK-related condition.

Submissions (2):

PreventionGenetics, part of Exact Sciences
Classification: Likely benign for RYK-related condition. Last evaluated: 2022-04-01. Review status: criteria provided, single submitter. Criteria: ACMG Guidelines, 2015. Collection method: clinical testing. Allele origin: germline.
Comment: This variant is classified as likely benign based on ACMG/AMP sequence variant interpretation guidelines (Richards et al. 2015 PMID: 25741868, with internal and published modifications).

Ambry Genetics
Classification: Uncertain significance. Last evaluated: 2022-01-03. Review status: criteria provided, single submitter. Criteria: Ambry Variant Classification Scheme 2023. Collection method: clinical testing. Allele origin: germline.

NM_002958.4(RYK):c.973A>C (p.Ile325Leu)

Gene: RYK (receptor like tyrosine kinase; minus strand). Cytogenetic location: 3q22.2.
Variant type: single nucleotide variant.
Coding change: c.973A>C on transcript NM_002958.4 (MANE Select); coding-DNA position 973, A replaced by C.
Protein change: p.Ile325Leu; replaces isoleucine 325 with leucine.
Molecular consequence: missense variant.
Genome position (GRCh38, 1-based): chr3:134,191,891, T>G on the plus strand (A>C on the coding strand, the complement: RYK is on the minus strand). VCF-style: chr3-134191891-T-G. GRCh37 (hg19) VCF-style: chr3-133910735-T-G.
Other names: c.982A>C, p.Ile328Leu (NM_001005861.3); short protein forms I328L, I325L.
Identifiers: ClinVar variation 2363166 (VCV002363166.3), dbSNP rs1425051712, ClinGen allele CA354728376.